The following is an entry in ClinVar:

ClinVar aggregate classification (germline): Likely benign (1 of 4 stars; one submission).

Allele frequency attached by ClinVar (database versions not stated): gnomAD exomes 0.00054; gnomAD 0.00548; TOPMed 0.00586; 1000 Genomes Project 0.00659; 1000 Genomes Project 30x 0.00687.
gnomAD v4.1: 1,559 of 1,416,626 alleles (0.11%); highest among the groups gnomAD compares: African/African-American, 1.9%; 14 homozygotes.

Submission:

GeneDx
Classification: Likely benign. Last evaluated: 2021-06-23. Review status: criteria provided, single submitter. Criteria: GeneDx Variant Classification Process June 2021. Collection method: clinical testing. Allele origin: germline. Affected: yes.
Comment: See Variant Classification Assertion Criteria.

NM_000022.4(ADA):c.606+122G>C

Gene: ADA (adenosine deaminase; minus strand). Cytogenetic location: 20q13.12.
Variant type: single nucleotide variant.
Coding change: c.606+122G>C on transcript NM_000022.4 (MANE Select); 122 bases into the intron after coding-DNA position 606, G replaced by C.
Molecular consequence: intron variant.
Genome position (GRCh38, 1-based): chr20:44,624,080, C>G on the plus strand (G>C on the coding strand, the complement: ADA is on the minus strand). VCF-style: chr20-44624080-C-G. GRCh37 (hg19) VCF-style: chr20-43252721-C-G.
Other names: c.201+122G>C (NM_001322050.2); c.606+122G>C (NM_001322051.2).
Identifiers: ClinVar variation 1707389 (VCV001707389.2), dbSNP rs146792739, ClinGen allele CA315439846.